The following is an entry in ClinVar:

NM_183050.4(BCKDHB):c.200A>G (p.Gln67Arg)

Gene: BCKDHB (branched chain keto acid dehydrogenase E1 subunit beta; plus strand). Cytogenetic location: 6q14.1.
Variant type: single nucleotide variant.
Coding change: c.200A>G on transcript NM_183050.4 (MANE Select); coding-DNA position 200, A replaced by G.
Protein change: p.Gln67Arg; replaces glutamine 67 with arginine.
Molecular consequence: missense variant. On other transcripts: 5 prime UTR variant (1), non-coding transcript variant (1).
Genome position (GRCh38, 1-based): chr6:80,127,550, A>G. VCF-style: chr6-80127550-A-G. GRCh37 (hg19) VCF-style: chr6-80837267-A-G.
Other names: c.200A>G, p.Gln67Arg (NM_000056.5); c.-11A>G (NM_001318975.1); short protein forms Q67R.
Identifiers: ClinVar variation 1447546 (VCV001447546.5), dbSNP rs2127726102, ClinGen allele CA364658953.

ClinVar aggregate classification (germline): Uncertain significance (1 of 4 stars; one submission).

Conditions:
Maple syrup urine disease (MSUD). Identifiers: Orphanet 511, MedGen C0024776, MeSH D008375, MONDO:0009563. Disease mechanism: loss of function.

Submission:

Labcorp Genetics (formerly Invitae), Labcorp
Classification: Uncertain significance for Maple syrup urine disease. Last evaluated: 2021-08-30. Review status: criteria provided, single submitter. Criteria: Invitae Variant Classification Sherloc (09022015). Collection method: clinical testing. Allele origin: germline.
Comment: This sequence change replaces glutamine with arginine at codon 67 of the BCKDHB protein (p.Gln67Arg). The glutamine residue is weakly conserved and there is a small physicochemical difference between glutamine and arginine. This variant is not present in population databases (ExAC no frequency). This variant has not been reported in the literature in individuals affected with BCKDHB-related conditions. Algorithms developed to predict the effect of missense changes on protein structure and function (SIFT, PolyPhen-2, Align-GVGD) all suggest that this variant is likely to be tolerated. In summary, the available evidence is currently insufficient to determine the role of this variant in disease. Therefore, it has been classified as a Variant of Uncertain Significance.